The following is an entry in ClinVar:

ClinVar aggregate classification (germline): Benign/Likely benign. Review status: criteria provided, multiple submitters, no conflicts (2 of 4 stars). 6 submissions from 6 submitters: Benign (4); Likely benign (1). 1 of the submissions does not count toward it. Last evaluated 2026-02-04.

Conditions:
EFL1-related disorder. Also called: EFL1-related condition.

Allele frequency attached by ClinVar (database versions not stated): 1000 Genomes Project 0.32927; 1000 Genomes Project 30x 0.33682; TOPMed 0.36952; ESP Exome Variant Server 0.37893.
gnomAD v4.1: 488,155 of 1,613,878 alleles (30%); highest among the groups gnomAD compares: African/African-American, 55%; 78,750 homozygotes.

Submissions (6):

Labcorp Genetics (formerly Invitae), Labcorp
Classification: Benign. Last evaluated: 2026-02-04. Review status: criteria provided, single submitter. Criteria: Invitae Variant Classification Sherloc (09022015). Collection method: clinical testing. Allele origin: germline.

Women's Health and Genetics/Laboratory Corporation of America, LabCorp
Classification: Benign. Last evaluated: 2026-01-21. Review status: criteria provided, single submitter. Criteria: LabCorp Variant Classification Summary - May 2015. Collection method: clinical testing. Allele origin: germline.

Blueprint Genetics
Classification: Likely benign. Last evaluated: 2024-11-27. Review status: criteria provided, single submitter. Criteria: ACMG Guidelines, 2015. Collection method: clinical testing. Allele origin: germline.

Mayo Clinic Laboratories, Mayo Clinic
Classification: Benign. Last evaluated: 2022-09-06. Review status: criteria provided, single submitter. Criteria: ACMG Guidelines, 2015. Collection method: clinical testing. Allele origin: germline. Observed: 356 variant alleles.

Breakthrough Genomics
Classification: Benign. Review status: criteria provided, single submitter. Criteria: ACMG Guidelines, 2015. Collection method: not provided. Allele origin: germline. Inheritance: Autosomal recessive inheritance. Affected: yes.

PreventionGenetics, part of Exact Sciences
Classification: Benign for EFL1-related condition. Last evaluated: 2019-05-01. Review status: no assertion criteria provided. Collection method: clinical testing. Allele origin: germline. Not counted in ClinVar's aggregate classification.
Comment: This variant is classified as benign based on ACMG/AMP sequence variant interpretation guidelines (Richards et al. 2015 PMID: 25741868, with internal and published modifications).

NM_024580.6(EFL1):c.2856C>T (p.Asp952=)

Gene: EFL1 (elongation factor like GTPase 1; minus strand). Cytogenetic location: 15q25.2.
Variant type: single nucleotide variant.
Coding change: c.2856C>T on transcript NM_024580.6 (MANE Select); coding-DNA position 2856, C replaced by T.
Protein change: p.Asp952=; no amino-acid change (aspartic acid 952 retained).
Molecular consequence: synonymous variant. On other transcripts: non-coding transcript variant (1).
Genome position (GRCh38, 1-based): chr15:82,151,598, G>A on the plus strand (C>T on the coding strand, the complement: EFL1 is on the minus strand). VCF-style: chr15-82151598-G-A. GRCh37 (hg19) VCF-style: chr15-82443939-G-A.
Other names: p.Asp952=; c.2856C>T (NM_024580.5); c.2703C>T, p.Asp901= (NM_001040610.3); c.2067C>T, p.Asp689= (NM_001322844.2); c.2856C>T, p.Asp952= (NM_001322845.2).
Identifiers: ClinVar variation 1166425 (VCV001166425.15), dbSNP rs4725, ClinGen allele CA7697691.